The following is an entry in ClinVar:

ClinVar aggregate classification (germline): Benign/Likely benign. Review status: criteria provided, multiple submitters, no conflicts (2 of 4 stars). 3 submissions from 3 submitters: Benign (1); Likely benign (2). Last evaluated 2025-05-19.

Conditions:
Hereditary cancer-predisposing syndrome. Also called: Neoplastic Syndromes, Hereditary; Tumor predisposition; Hereditary Cancer Syndrome; Hereditary neoplastic syndrome. Identifiers: Orphanet 140162, MedGen C0027672, MeSH D009386, MONDO:0015356.
Familial adenomatous polyposis 1 (FAP1). Also called: FAMILIAL ADENOMATOUS POLYPOSIS 1, ATTENUATED; POLYPOSIS, ADENOMATOUS INTESTINAL. Identifiers: MedGen C2713442, MONDO:0021056, OMIM 175100. Disease mechanism: loss of function.

Allele frequency attached by ClinVar (database versions not stated): gnomAD exomes below 0.00001.
gnomAD v4.1: 2 of 1,614,198 alleles (0.00012%); highest among the groups gnomAD compares: Non-Finnish European, 0.00017%; no homozygotes.

Submissions (3):

Labcorp Genetics (formerly Invitae), Labcorp
Classification: Likely benign for Familial adenomatous polyposis 1. Last evaluated: 2025-05-19. Review status: criteria provided, single submitter. Criteria: Invitae Variant Classification Sherloc (09022015). Collection method: clinical testing. Allele origin: germline.

Myriad Genetics, Inc.
Classification: Benign for Familial adenomatous polyposis 1. Last evaluated: 2024-02-22. Review status: criteria provided, single submitter. Criteria: Myriad Autosomal Dominant, Autosomal Recessive and X-Linked Classification Criteria (2023). Collection method: clinical testing. Allele origin: unknown.
Comment: This variant is considered benign. This variant is a silent/synonymous amino acid change and it is not expected to impact splicing.

Ambry Genetics
Classification: Likely benign for Hereditary cancer-predisposing syndrome. Last evaluated: 2021-11-24. Review status: criteria provided, single submitter. Criteria: Ambry Variant Classification Scheme 2023. Collection method: clinical testing. Allele origin: germline.

NM_000038.6(APC):c.351A>G (p.Ser117=)

Gene: APC (APC regulator of Wnt signaling pathway; plus strand). Cytogenetic location: 5q22.2.
Variant type: single nucleotide variant.
Coding change: c.351A>G on transcript NM_000038.6 (MANE Select); coding-DNA position 351, A replaced by G.
Protein change: p.Ser117=; no amino-acid change (serine 117 retained).
Molecular consequence: synonymous variant. On other transcripts: 5 prime UTR variant (4), non-coding transcript variant (2).
Genome position (GRCh38, 1-based): chr5:112,767,319, A>G. VCF-style: chr5-112767319-A-G. GRCh37 (hg19) VCF-style: chr5-112103016-A-G.
Other names: c.351A>G, p.Ser117= (NM_001127510.3, NM_001354895.2, NM_001354896.2 and 16 more transcripts); c.381A>G, p.Ser127= (NM_001127511.3, NM_001354897.2, NM_001354902.2 and 1 more transcripts); c.276A>G, p.Ser92= (NM_001354898.2, NM_001354904.2, NM_001407451.1); c.174A>G, p.Ser58= (NM_001354900.2, NM_001354901.2, NM_001354905.2 and 1 more transcripts); c.-685A>G (NM_001354906.2, NM_001407470.1, NM_001407471.1 and 1 more transcripts).
Identifiers: ClinVar variation 1732235 (VCV001732235.7), dbSNP rs1294902871, ClinGen allele CA445753367.